The following is an entry in ClinVar:

NM_003839.4(TNFRSF11A):c.1173G>A (p.Thr391=)

Gene: TNFRSF11A (TNF receptor superfamily member 11a; plus strand). Cytogenetic location: 18q21.33.
Variant type: single nucleotide variant.
Coding change: c.1173G>A on transcript NM_003839.4 (MANE Select); coding-DNA position 1173, G replaced by A.
Protein change: p.Thr391=; no amino-acid change (threonine 391 retained).
Molecular consequence: synonymous variant. On other transcripts: intron variant (3).
Genome position (GRCh38, 1-based): chr18:62,369,090, G>A. VCF-style: chr18-62369090-G-A. GRCh37 (hg19) VCF-style: chr18-60036323-G-A.
Other names: c.1173G>A (NM_003839.3); c.1131G>A, p.Thr377= (NM_001278268.2); c.783+2330G>A (NM_001270949.2); c.730+7297G>A (NM_001270950.2); c.616+9041G>A (NM_001270951.2).
Identifiers: ClinVar variation 2907588 (VCV002907588.5), dbSNP rs367884859, ClinGen allele CA8983928.

ClinVar aggregate classification (germline): Likely benign. Review status: criteria provided, single submitter (1 of 4 stars). 2 submissions from 2 submitters: Likely benign (1). 1 of the submissions does not count toward it. Last evaluated 2025-02-26.

Conditions:
TNFRSF11A-related disorder. Also called: TNFRSF11A-related condition.

Allele frequency attached by ClinVar (database versions not stated): ExAC 0.00005; gnomAD 0.00005; ESP Exome Variant Server 0.00008.
gnomAD v4.1: 78 of 1,613,938 alleles (0.0048%); highest among the groups gnomAD compares: African/African-American, 0.0067%; no homozygotes.

Submissions (2):

Labcorp Genetics (formerly Invitae), Labcorp
Classification: Likely benign. Last evaluated: 2025-02-26. Review status: criteria provided, single submitter. Criteria: Invitae Variant Classification Sherloc (09022015). Collection method: clinical testing. Allele origin: germline.

PreventionGenetics, part of Exact Sciences
Classification: Likely benign for TNFRSF11A-related condition. Last evaluated: 2020-09-02. Review status: no assertion criteria provided. Collection method: clinical testing. Allele origin: germline. Not counted in ClinVar's aggregate classification.
Comment: This variant is classified as likely benign based on ACMG/AMP sequence variant interpretation guidelines (Richards et al. 2015 PMID: 25741868, with internal and published modifications).